The following is an entry in ClinVar:

ClinVar aggregate classification (germline): Uncertain significance (1 of 4 stars; one submission).

Allele frequency attached by ClinVar (database versions not stated): gnomAD exomes below 0.00001; TOPMed below 0.00001; ExAC 0.00001.
gnomAD v4.1: 1 of 1,614,108 alleles (0.000062%); highest among the groups gnomAD compares: Non-Finnish European, 0.000085%; no homozygotes.

Submission:

Labcorp Genetics (formerly Invitae), Labcorp
Classification: Uncertain significance. Last evaluated: 2022-07-22. Review status: criteria provided, single submitter. Criteria: Invitae Variant Classification Sherloc (09022015). Collection method: clinical testing. Allele origin: germline.
Comment: This sequence change replaces glutamic acid, which is acidic and polar, with lysine, which is basic and polar, at codon 543 of the ABCA4 protein (p.Glu543Lys). This variant is present in population databases (rs749347970, gnomAD 0.006%). This variant has not been reported in the literature in individuals affected with ABCA4-related conditions. Advanced modeling of protein sequence and biophysical properties (such as structural, functional, and spatial information, amino acid conservation, physicochemical variation, residue mobility, and thermodynamic stability) performed at Invitae indicates that this missense variant is not expected to disrupt ABCA4 protein function. Algorithms developed to predict the effect of sequence changes on RNA splicing suggest that this variant may create or strengthen a splice site. In summary, the available evidence is currently insufficient to determine the role of this variant in disease. Therefore, it has been classified as a Variant of Uncertain Significance.

NM_000350.3(ABCA4):c.1627G>A (p.Glu543Lys)

Gene: ABCA4 (ATP binding cassette subfamily A member 4; minus strand). Cytogenetic location: 1p22.1.
Variant type: single nucleotide variant.
Coding change: c.1627G>A on transcript NM_000350.3 (MANE Select); coding-DNA position 1627, G replaced by A.
Protein change: p.Glu543Lys; replaces glutamic acid 543 with lysine.
Molecular consequence: missense variant.
Genome position (GRCh38, 1-based): chr1:94,063,245, C>T on the plus strand (G>A on the coding strand, the complement: ABCA4 is on the minus strand). VCF-style: chr1-94063245-C-T. GRCh37 (hg19) VCF-style: chr1-94528801-C-T.
Other names: c.1627G>A, p.Glu543Lys (NM_001425324.1); short protein forms E543K.
Identifiers: ClinVar variation 1944748 (VCV001944748.2), dbSNP rs749347970, ClinGen allele CA958463.
Genomic context (GRCh38, chr1:94,063,245, plus strand): 5'-GAGAGCTGGTCCAGGGATACATGTCAGGGAATACCACTCCGGCCCAGAACATGTTTTCCT[C>T]CAGTAGAGAGAGGGCACGTTGGGTGAGCTGAGTTTCATCATTGTAGCTTTCAAACTTATC-3'
Protein context (NP_000341.2, residues 533-553): QLTQRALSLL[Glu543Lys]ENMFWAGVVF